The following is an entry in ClinVar:

NM_000059.4(BRCA2):c.8488-1G>T

Gene: BRCA2 (BRCA2 DNA repair associated; plus strand). Cytogenetic location: 13q13.1.
Variant type: single nucleotide variant.
Coding change: c.8488-1G>T on transcript NM_000059.4 (MANE Select); the canonical splice acceptor site of the intron before coding-DNA position 8488, G replaced by T.
Molecular consequence: splice acceptor variant.
Genome position (GRCh38, 1-based): chr13:32,370,955, G>T. VCF-style: chr13-32370955-G-T. GRCh37 (hg19) VCF-style: chr13-32945092-G-T.
Other names: c.8488-1G>T (NM_001406720.1); c.8392-1G>T (NM_001406719.1); c.3556-1G>T (NM_001406721.1); c.2071-1G>T (NM_001406722.1).
Identifiers: ClinVar variation 267700 (VCV000267700.23), dbSNP rs397507404, ClinGen allele CA10602549.
Genomic context (GRCh38, chr13:32,370,955, plus strand): 5'-ATACAATTAACTTGAATGTTATATATGTGACTTTTTTGGTGTGTGTAACACATTATTACA[G>T]TGGATGGAGAAGACATCATCTGGATTATACATATTTCGCAATGAAAGAGAGGAAGAAAAG-3'

ClinVar aggregate classification (germline): Pathogenic/Likely pathogenic. Review status: criteria provided, multiple submitters, no conflicts (2 of 4 stars). 6 submissions from 6 submitters: Pathogenic (4); Likely pathogenic (2). Last evaluated 2025-01-07.

Conditions:
Hereditary cancer-predisposing syndrome. Also called: Hereditary neoplastic syndrome; Neoplastic Syndromes, Hereditary; Tumor predisposition; Hereditary Cancer Syndrome. Identifiers: Orphanet 140162, MedGen C0027672, MeSH D009386, MONDO:0015356.
Familial cancer of breast. Also called: hereditary breast carcinoma; BREAST CANCER, FAMILIAL; Hereditary breast cancer. Identifiers: Orphanet 227535, MedGen C0346153, MONDO:0016419, OMIM 114480. Disease mechanism: loss of function.
Breast-ovarian cancer, familial, susceptibility to, 2 (BROVCA2). Also called: BRCA2 Hereditary Breast and Ovarian Cancer. Identifiers: Orphanet 145, MedGen C2675520, MONDO:0012933, OMIM 612555. Disease mechanism: loss of function.
Hereditary breast ovarian cancer syndrome. Also called: BRCA1- and BRCA2-Associated Hereditary Breast and Ovarian Cancer; Hereditary breast and ovarian cancer; Breast and ovarian cancer; Hereditary breast and/or ovarian cancer syndrome; Hereditary breast and ovarian cancer syndrome; Hereditary breast and ovarian cancer syndrome (HBOC). Identifiers: Orphanet 145, MedGen C0677776, MeSH D061325, MONDO:0003582. Disease mechanism: loss of function.

Submissions (6):

Labcorp Genetics (formerly Invitae), Labcorp
Classification: Pathogenic for Hereditary breast ovarian cancer syndrome. Last evaluated: 2025-01-07. Review status: criteria provided, single submitter. Criteria: Invitae Variant Classification Sherloc (09022015). Collection method: clinical testing. Allele origin: germline.
Comment: This sequence change affects an acceptor splice site in intron 19 of the BRCA2 gene. It is expected to disrupt RNA splicing. Variants that disrupt the donor or acceptor splice site typically lead to a loss of protein function (PMID: 16199547), and loss-of-function variants in BRCA2 are known to be pathogenic (PMID: 20104584). This variant is not present in population databases (gnomAD no frequency). Disruption of this splice site has been observed in individual(s) with a personal and/or family history of breast and/or ovarian cancer and in individuals with clinical features of Fanconi Anemia (PMID: 12065746, 29446198, 30103829). ClinVar contains an entry for this variant (Variation ID: 267700). Studies have shown that disruption of this splice site is associated with altered splicing resulting in multiple RNA products (PMID: 22632462, 24607278, 25382762; internal data). For these reasons, this variant has been classified as Pathogenic.

Ambry Genetics
Classification: Likely pathogenic for Hereditary cancer-predisposing syndrome. Last evaluated: 2024-09-25. Review status: criteria provided, single submitter. Criteria: Ambry Variant Classification Scheme 2023. Collection method: clinical testing. Allele origin: germline.
Comment: The c.8488-1G>T intronic variant results from a G to T substitution one nucleotide upstream from coding exon 19 of the BRCA2 gene. This variant has been confirmed in trans with another BRCA2 pathogenic alteration in an individual diagnosed with Fanconi Anemia (Personal communication).This nucleotide position is highly conserved in available vertebrate species. In silico splice site analysis predicts that this alteration will weaken the native splice acceptor site and may result in the creation or strengthening of a novel splice acceptor site. Alterations that disrupt the canonical splice site are expected to cause aberrant splicing, resulting in an abnormal protein or a transcript that is subject to nonsense-mediated mRNA decay. RNA studies have demonstrated that this alteration results in abnormal splicing in the set of samples tested (Ambry internal data). Based on the majority of available evidence to date, this variant is likely to be pathogenic. However, because this variant is identified in one or more patients with Fanconi Anemia it may be hypomorphic and thus, carriers of this variant and their families may present with reduced risks, and not with the typical clinical characteristics of a high-risk pathogenic BRCA2 alteration. As risk estimates are unknown at this time, clinical correlation is advised.

Baylor Genetics
Classification: Pathogenic for Familial cancer of breast. Last evaluated: 2023-09-22. Review status: criteria provided, single submitter. Criteria: ACMG Guidelines, 2015. Collection method: clinical testing. Allele origin: unknown.

Quest Diagnostics Nichols Institute San Juan Capistrano
Classification: Pathogenic. Last evaluated: 2023-03-24. Review status: criteria provided, single submitter. Criteria: Quest Diagnostics criteria. Collection method: clinical testing. Allele origin: unknown.
Comment: This variant disrupts a canonical splice-acceptor site and interferes with normal BRCA2 mRNA splicing. It has not been reported in large, multi-ethnic general populations. In the published literature, the variant has been reported in individuals with breast (PMID: 31331294 (2019)) and ovarian cancer (PMID: 30103829 (2018)). Based on the available information, this variant is classified as pathogenic.

Color Diagnostics, LLC DBA Color Health
Classification: Likely pathogenic for Hereditary cancer-predisposing syndrome. Last evaluated: 2022-12-02. Review status: criteria provided, single submitter. Criteria: ACMG Guidelines, 2015. Collection method: clinical testing. Allele origin: germline.
Comment: This variant causes a G to T nucleotide substitution at the -1 position of intron 19 of the BRCA2 gene. Splice site prediction tools predict that this variant may have a significant impact on RNA splicing. Although this prediction has not been confirmed in published RNA studies, this variant is expected to result in an absent or disrupted protein product. This variant has been reported in two individuals affected with ovarian cancer (PMID: 34072659) and in one suspected hereditary breast and ovarian cancer family (PMID: 29446198). This variant has not been identified in the general population by the Genome Aggregation Database (gnomAD). Different variants affecting the same splice acceptor site, c.8488-1G>A and c.8488-1G>C, are known to be disease-causing (ClinVar variation ID: 38164, 1520790). Loss of BRCA2 function is a known mechanism of disease. Based on the available evidence, this variant is classified as Likely Pathogenic.

Consortium of Investigators of Modifiers of BRCA1/2 (CIMBA), c/o University of Cambridge
Classification: Pathogenic for Breast-ovarian cancer, familial, susceptibility to, 2. Last evaluated: 2015-10-02. Review status: criteria provided, single submitter. Criteria: CIMBA Mutation Classification guidelines May 2016. Collection method: clinical testing. Allele origin: germline.

Literature cited by the submitters: PubMed 16199547 (cited by Labcorp Genetics (formerly Invitae), Labcorp); PubMed 20104584 (cited by Labcorp Genetics (formerly Invitae), Labcorp); PubMed 12065746 (cited by Labcorp Genetics (formerly Invitae), Labcorp); PubMed 29446198 (cited by 3 submitters); PubMed 30103829 (cited by Labcorp Genetics (formerly Invitae), Labcorp and Quest Diagnostics Nichols Institute San Juan Capistrano); PubMed 22632462 (cited by Labcorp Genetics (formerly Invitae), Labcorp); PubMed 24607278 (cited by Labcorp Genetics (formerly Invitae), Labcorp); PubMed 25382762 (cited by Labcorp Genetics (formerly Invitae), Labcorp); PubMed 31209999 (cited by Quest Diagnostics Nichols Institute San Juan Capistrano); PubMed 31331294 (cited by Quest Diagnostics Nichols Institute San Juan Capistrano); PubMed 34072659 (cited by Color Diagnostics, LLC DBA Color Health).